The following is an entry in ClinVar:

NM_139027.6(ADAMTS13):c.1705+7G>A

Gene: ADAMTS13 (ADAM metallopeptidase with thrombospondin type 1 motif 13; plus strand). Cytogenetic location: 9q34.2.
Variant type: single nucleotide variant.
Coding change: c.1705+7G>A on transcript NM_139027.6 (MANE Select); 7 bases into the intron after coding-DNA position 1705, G replaced by A.
Molecular consequence: intron variant.
Genome position (GRCh38, 1-based): chr9:133,438,373, G>A. VCF-style: chr9-133438373-G-A. GRCh37 (hg19) VCF-style: chr9-136303493-G-A.
Other names: p.?; c.1705+7G>A (NM_139025.5); c.1612+7G>A (NM_139026.6).
Identifiers: ClinVar variation 773915 (VCV000773915.14), dbSNP rs78739717, ClinGen allele CA200930811.

ClinVar aggregate classification (germline): Benign/Likely benign. Review status: criteria provided, multiple submitters, no conflicts (2 of 4 stars). 5 submissions from 5 submitters: Benign (2); Likely benign (2). 1 of the submissions does not count toward it. Last evaluated 2026-02-01.

Conditions:
ADAMTS13-related disorder. Also called: ADAMTS13-related condition.
Upshaw-Schulman syndrome (TTP). Also called: THROMBOTIC THROMBOCYTOPENIC PURPURA, HEREDITARY; Congenital thrombotic thrombocytopenic purpura. Identifiers: Orphanet 93583, MedGen C1268935, MONDO:0010122, OMIM 274150.

Allele frequency attached by ClinVar (database versions not stated): gnomAD exomes 0.00128 and 0.00272; ESP Exome Variant Server 0.00200; TOPMed 0.00227; gnomAD 0.00233 and 0.00251; ExAC 0.00260; 1000 Genomes Project 30x 0.00500; 1000 Genomes Project 0.00539.
gnomAD v4.1: 2,409 of 1,613,540 alleles (0.15%); highest among the groups gnomAD compares: East Asian, 2.3%; 25 homozygotes.

Submissions (5):

Labcorp Genetics (formerly Invitae), Labcorp
Classification: Benign. Last evaluated: 2026-02-01. Review status: criteria provided, single submitter. Criteria: Invitae Variant Classification Sherloc (09022015). Collection method: clinical testing. Allele origin: germline.

Blueprint Genetics
Classification: Likely benign. Last evaluated: 2024-11-18. Review status: criteria provided, single submitter. Criteria: ACMG Guidelines, 2015. Collection method: clinical testing. Allele origin: germline.

Mayo Clinic Laboratories, Mayo Clinic
Classification: Benign. Last evaluated: 2022-10-17. Review status: criteria provided, single submitter. Criteria: ACMG Guidelines, 2015. Collection method: clinical testing. Allele origin: germline. Observed: 26 variant alleles.
Comment: BS1, BS2, BP4, BP7

Fulgent Genetics
Classification: Likely benign for Upshaw-Schulman syndrome. Last evaluated: 2021-08-20. Review status: criteria provided, single submitter. Criteria: ACMG Guidelines, 2015. Collection method: clinical testing. Allele origin: unknown.

PreventionGenetics, part of Exact Sciences
Classification: Benign for ADAMTS13-related condition. Last evaluated: 2019-09-20. Review status: no assertion criteria provided. Collection method: clinical testing. Allele origin: germline. Not counted in ClinVar's aggregate classification.
Comment: This variant is classified as benign based on ACMG/AMP sequence variant interpretation guidelines (Richards et al. 2015 PMID: 25741868, with internal and published modifications).